The following is an entry in ClinVar:

NM_015338.6(ASXL1):c.2497A>G (p.Ser833Gly)

Gene: ASXL1 (ASXL transcriptional regulator 1; plus strand). Cytogenetic location: 20q11.21.
Variant type: single nucleotide variant.
Coding change: c.2497A>G on transcript NM_015338.6 (MANE Select); coding-DNA position 2497, A replaced by G.
Protein change: p.Ser833Gly; replaces serine 833 with glycine.
Molecular consequence: missense variant.
Genome position (GRCh38, 1-based): chr20:32,435,209, A>G. VCF-style: chr20-32435209-A-G. GRCh37 (hg19) VCF-style: chr20-31023012-A-G.
Other names: c.2314A>G, p.Ser772Gly (NM_001363734.1); short protein forms S833G, S772G.
Identifiers: ClinVar variation 3677359 (VCV003677359.2).
Genomic context (GRCh38, chr20:32,435,209, plus strand): 5'-CCCATTCCGTCTCTAGTGGGAGATGATACATTAGAGAAAGGAACTGGCCAAGCTCTTGAC[A>G]GTCATCCCACTATGAAGGATCCTGTAAATGTGACCCCCAGTTCCACACCTGAATCCTCAC-3'
Protein context (NP_056153.2, residues 823-843): LEKGTGQALD[Ser833Gly]HPTMKDPVNV

ClinVar aggregate classification (germline): Uncertain significance (1 of 4 stars; one submission).

gnomAD v4.1: 3 of 1,614,044 alleles (0.00019%); highest among the groups gnomAD compares: Non-Finnish European, 0.00025%; no homozygotes.

Submission:

Labcorp Genetics (formerly Invitae), Labcorp
Classification: Uncertain significance. Last evaluated: 2024-02-24. Review status: criteria provided, single submitter. Criteria: Invitae Variant Classification Sherloc (09022015). Collection method: clinical testing. Allele origin: germline.
Comment: This sequence change replaces serine, which is neutral and polar, with glycine, which is neutral and non-polar, at codon 833 of the ASXL1 protein (p.Ser833Gly). This variant is not present in population databases (gnomAD no frequency). This variant has not been reported in the literature in individuals affected with ASXL1-related conditions. Algorithms developed to predict the effect of missense changes on protein structure and function output the following: SIFT: "Not Available"; PolyPhen-2: "Benign"; Align-GVGD: "Not Available". The glycine amino acid residue is found in multiple mammalian species, which suggests that this missense change does not adversely affect protein function. In summary, the available evidence is currently insufficient to determine the role of this variant in disease. Therefore, it has been classified as a Variant of Uncertain Significance.